The following is an entry in ClinVar:

ClinVar aggregate classification (germline): Likely benign (1 of 4 stars; one submission).

Submission:

CeGaT Center for Human Genetics Tuebingen
Classification: Likely benign. Last evaluated: 2024-12-01. Review status: criteria provided, single submitter. Criteria: CeGaT Center For Human Genetics Tuebingen Variant Classification Criteria Version 2. Collection method: clinical testing. Allele origin: germline. Affected: yes. Observed: 1 variant allele.
Comment: COL18A1: PM2:Supporting, BP4, BP7

NM_001379500.1(COL18A1):c.2676A>G (p.Gly892=)

Gene: COL18A1 (collagen type XVIII alpha 1 chain; plus strand). Cytogenetic location: 21q22.3.
Variant type: single nucleotide variant.
Coding change: c.2676A>G on transcript NM_001379500.1 (MANE Select); coding-DNA position 2676, A replaced by G.
Protein change: p.Gly892=; no amino-acid change (glycine 892 retained).
Molecular consequence: synonymous variant.
Genome position (GRCh38, 1-based): chr21:45,497,654, A>G. VCF-style: chr21-45497654-A-G. GRCh37 (hg19) VCF-style: chr21-46917568-A-G.
Other names: c.3216A>G, p.Gly1072= (NM_030582.4); c.3921A>G, p.Gly1307= (NM_130444.3).
Identifiers: ClinVar variation 3772188 (VCV003772188.13).